The following is an entry in ClinVar:

ClinVar aggregate classification (germline): Uncertain significance (1 of 4 stars; one submission).

Allele frequency attached by ClinVar (database versions not stated): gnomAD exomes below 0.00001.
gnomAD v4.1: 1 of 1,610,242 alleles (0.000062%); highest among the groups gnomAD compares: Non-Finnish European, 0.000085%; no homozygotes.

Submission:

Labcorp Genetics (formerly Invitae), Labcorp
Classification: Uncertain significance. Last evaluated: 2021-02-22. Review status: criteria provided, single submitter. Criteria: Invitae Variant Classification Sherloc (09022015). Collection method: clinical testing. Allele origin: germline.
Comment: This sequence change replaces valine with methionine at codon 845 of the GUCY2C protein (p.Val845Met). The valine residue is highly conserved and there is a small physicochemical difference between valine and methionine. This variant is not present in population databases (ExAC no frequency). This variant has not been reported in the literature in individuals with GUCY2C-related conditions. Algorithms developed to predict the effect of missense changes on protein structure and function are either unavailable or do not agree on the potential impact of this missense change (SIFT: "Deleterious"; PolyPhen-2: "Probably Damaging"; Align-GVGD: "Class C0"). In summary, the available evidence is currently insufficient to determine the role of this variant in disease. Therefore, it has been classified as a Variant of Uncertain Significance.

NM_004963.4(GUCY2C):c.2533G>A (p.Val845Met)

Gene: GUCY2C (guanylate cyclase 2C; minus strand). Cytogenetic location: 12p12.3.
Variant type: single nucleotide variant.
Coding change: c.2533G>A on transcript NM_004963.4 (MANE Select); coding-DNA position 2533, G replaced by A.
Protein change: p.Val845Met; replaces valine 845 with methionine.
Molecular consequence: missense variant.
Genome position (GRCh38, 1-based): chr12:14,622,073, C>T on the plus strand (G>A on the coding strand, the complement: GUCY2C is on the minus strand). VCF-style: chr12-14622073-C-T. GRCh37 (hg19) VCF-style: chr12-14775007-C-T.
Other names: short protein forms V845M.
Identifiers: ClinVar variation 1512868 (VCV001512868.8), dbSNP rs2136982859, ClinGen allele CA383995057.
Genomic context (GRCh38, chr12:14,622,073, plus strand): 5'-CATCATGATGATCAACAATGTGGTCAAAACTCTTATAGATGTCATTAAGCATGTCCACCA[C>T]TTCCATGGGGGTGCTGTATTTGCAGATAGTAGTGAAACCTACAATGTCACTGAAGTAGAT-3'
Protein context (NP_004954.2, residues 835-855): TICKYSTPME[Val845Met]VDMLNDIYKS